The following is an entry in ClinVar:

ClinVar aggregate classification (germline): Uncertain significance (1 of 4 stars; one submission).

gnomAD v4.1: 4 of 1,613,126 alleles (0.00025%); highest among the groups gnomAD compares: Non-Finnish European, 0.00034%; no homozygotes.

Submission:

Labcorp Genetics (formerly Invitae), Labcorp
Classification: Uncertain significance. Last evaluated: 2025-10-14. Review status: criteria provided, single submitter. Criteria: Invitae Variant Classification Sherloc (09022015). Collection method: clinical testing. Allele origin: germline.
Comment: This sequence change replaces arginine, which is basic and polar, with serine, which is neutral and polar, at codon 739 of the SPTA1 protein (p.Arg739Ser). This variant is not present in population databases (gnomAD no frequency). This variant has not been reported in the literature in individuals affected with SPTA1-related conditions. Invitae Evidence Modeling of protein sequence and biophysical properties (such as structural, functional, and spatial information, amino acid conservation, physicochemical variation, residue mobility, and thermodynamic stability) indicates that this missense variant is not expected to disrupt SPTA1 protein function with a negative predictive value of 80%. In summary, the available evidence is currently insufficient to determine the role of this variant in disease. Therefore, it has been classified as a Variant of Uncertain Significance.

NM_003126.4(SPTA1):c.2215C>A (p.Arg739Ser)

Gene: SPTA1 (spectrin alpha, erythrocytic 1; minus strand). Cytogenetic location: 1q23.1.
Variant type: single nucleotide variant.
Coding change: c.2215C>A on transcript NM_003126.4 (MANE Select); coding-DNA position 2215, C replaced by A.
Protein change: p.Arg739Ser; replaces arginine 739 with serine.
Molecular consequence: missense variant.
Genome position (GRCh38, 1-based): chr1:158,666,321, G>T on the plus strand (C>A on the coding strand, the complement: SPTA1 is on the minus strand). VCF-style: chr1-158666321-G-T. GRCh37 (hg19) VCF-style: chr1-158636111-G-T.
Other names: short protein forms R739S.
Identifiers: ClinVar variation 4804056 (VCV004804056.1).